The following is an entry in ClinVar:

ClinVar aggregate classification (germline): Likely benign. Review status: criteria provided, multiple submitters, no conflicts (2 of 4 stars). 3 submissions from 3 submitters: Likely benign (2). 1 of the submissions does not count toward it. Last evaluated 2025-09-07.

Conditions:
KANK1-related disorder. Also called: KANK1-related condition.

Allele frequency attached by ClinVar (database versions not stated): TOPMed 0.00010; gnomAD 0.00011; 1000 Genomes Project 30x 0.00078; 1000 Genomes Project 0.00100.
gnomAD v4.1: 78 of 1,614,110 alleles (0.0048%); highest among the groups gnomAD compares: East Asian, 0.1%; no homozygotes.

Submissions (3):

Labcorp Genetics (formerly Invitae), Labcorp
Classification: Likely benign. Last evaluated: 2025-09-07. Review status: criteria provided, single submitter. Criteria: Invitae Variant Classification Sherloc (09022015). Collection method: clinical testing. Allele origin: germline.

Blueprint Genetics
Classification: Likely benign. Last evaluated: 2024-07-10. Review status: criteria provided, single submitter. Criteria: ACMG Guidelines, 2015. Collection method: clinical testing. Allele origin: germline.

PreventionGenetics, part of Exact Sciences
Classification: Likely benign for KANK1-related condition. Last evaluated: 2019-11-15. Review status: no assertion criteria provided. Collection method: clinical testing. Allele origin: germline. Not counted in ClinVar's aggregate classification.
Comment: This variant is classified as likely benign based on ACMG/AMP sequence variant interpretation guidelines (Richards et al. 2015 PMID: 25741868, with internal and published modifications).

NM_015158.5(KANK1):c.819C>T (p.Arg273=)

Gene: KANK1 (KN motif and ankyrin repeat domains 1; plus strand). Cytogenetic location: 9p24.3.
Variant type: single nucleotide variant.
Coding change: c.819C>T on transcript NM_015158.5 (MANE Select); coding-DNA position 819, C replaced by T.
Protein change: p.Arg273=; no amino-acid change (arginine 273 retained).
Molecular consequence: synonymous variant. On other transcripts: non-coding transcript variant (1).
Genome position (GRCh38, 1-based): chr9:711,585, C>T. VCF-style: chr9-711585-C-T. GRCh37 (hg19) VCF-style: chr9-711585-C-T.
Other names: c.819C>T, p.Arg273= (NM_001256876.3, NM_001256877.3, NM_001354331.2 and 2 more transcripts); c.345C>T, p.Arg115= (NM_001354333.2, NM_001354335.2, NM_001354336.2 and 9 more transcripts).
Identifiers: ClinVar variation 3045644 (VCV003045644.5), dbSNP rs372115346, ClinGen allele CA4960055.